The following is an entry in ClinVar:

NM_006231.4(POLE):c.855T>C (p.Phe285=)

Gene: POLE (DNA polymerase epsilon, catalytic subunit; minus strand). Cytogenetic location: 12q24.33.
Variant type: single nucleotide variant.
Coding change: c.855T>C on transcript NM_006231.4 (MANE Select); coding-DNA position 855, T replaced by C.
Protein change: p.Phe285=; no amino-acid change (phenylalanine 285 retained).
Molecular consequence: synonymous variant.
Genome position (GRCh38, 1-based): chr12:132,676,600, A>G on the plus strand (T>C on the coding strand, the complement: POLE is on the minus strand). VCF-style: chr12-132676600-A-G. GRCh37 (hg19) VCF-style: chr12-133253186-A-G.
Identifiers: ClinVar variation 3904176 (VCV003904176.1).

ClinVar aggregate classification (germline): Benign (1 of 4 stars; one submission).

Conditions:
Colorectal cancer, susceptibility to, 12 (CRCS12). Also called: COLORECTAL CANCER, SUSCEPTIBILITY TO, ON CHROMOSOME 12q24. Identifiers: Orphanet 220460, MedGen C3554460, MONDO:0014038, OMIM 615083.

gnomAD v4.1: 1 of 1,614,070 alleles (0.000062%); highest among the groups gnomAD compares: Non-Finnish European, 0.000085%; no homozygotes.

Submission:

Myriad Genetics, Inc.
Classification: Benign for Colorectal cancer, susceptibility to, 12. Last evaluated: 2025-02-07. Review status: criteria provided, single submitter. Criteria: Myriad Autosomal Dominant, Autosomal Recessive and X-Linked Classification Criteria (2023). Collection method: clinical testing. Allele origin: unknown.
Comment: This variant is considered benign. This variant is a silent/synonymous amino acid change and it is not expected to impact splicing.